The following is an entry in ClinVar:

NM_006516.4(SLC2A1):c.506T>C (p.Leu169Pro)

Gene: SLC2A1 (solute carrier family 2 member 1; minus strand). Cytogenetic location: 1p34.2.
Variant type: single nucleotide variant.
Coding change: c.506T>C on transcript NM_006516.4 (MANE Select); coding-DNA position 506, T replaced by C.
Protein change: p.Leu169Pro; replaces leucine 169 with proline.
Molecular consequence: missense variant.
Genome position (GRCh38, 1-based): chr1:42,930,636, A>G on the plus strand (T>C on the coding strand, the complement: SLC2A1 is on the minus strand). VCF-style: chr1-42930636-A-G. GRCh37 (hg19) VCF-style: chr1-43396307-A-G.
Other names: short protein forms L169P.
Identifiers: ClinVar variation 2575732 (VCV002575732.1), dbSNP rs2524997284, ClinGen allele CA339960225.

ClinVar aggregate classification (germline): Pathogenic (1 of 4 stars; one submission).

Submission:

GeneDx
Classification: Pathogenic. Last evaluated: 2023-08-08. Review status: criteria provided, single submitter. Criteria: GeneDx Variant Classification Process June 2021. Collection method: clinical testing. Allele origin: germline. Affected: yes.
Comment: Published functional studies demonstrate a damaging effect on glucose transport (Zaman et al., 2018); Not observed at significant frequency in large population cohorts (gnomAD); In silico analysis supports that this missense variant has a deleterious effect on protein structure/function; This variant is associated with the following publications: (PMID: 21649651, 30588498)